The following is an entry in ClinVar:

ClinVar aggregate classification (germline): Uncertain significance. Review status: criteria provided, multiple submitters, no conflicts (2 of 4 stars). 2 submissions from 2 submitters: Uncertain significance (2). Last evaluated 2024-12-05.

Conditions:
Primary ciliary dyskinesia 28. Also called: CILIARY DYSKINESIA, PRIMARY, 28, WITH OR WITHOUT SITUS INVERSUS. Identifiers: Orphanet 244, MedGen C3809706, MONDO:0014216, OMIM 615505.
Primary ciliary dyskinesia. Also called: Ciliary dyskinesia. Identifiers: Orphanet 244, MedGen C0008780, MONDO:0016575, HP:0012265.

Allele frequency attached by ClinVar (database versions not stated): gnomAD 0.00001; gnomAD exomes 0.00001; TOPMed 0.00002.
gnomAD v4.1: 11 of 1,464,694 alleles (0.00075%); no homozygotes.

Submissions (2):

Ambry Genetics
Classification: Uncertain significance for Primary ciliary dyskinesia. Last evaluated: 2024-12-05. Review status: criteria provided, single submitter. Criteria: Ambry Variant Classification Scheme 2023. Collection method: clinical testing. Allele origin: germline.
Comment: The p.R401G variant (also known as c.1201A>G), located in coding exon 10 of the SPAG1 gene, results from an A to G substitution at nucleotide position 1201. The arginine at codon 401 is replaced by glycine, an amino acid with dissimilar properties. This amino acid position is conserved. In addition, this alteration is predicted to be tolerated by in silico analysis. Based on the available evidence, the clinical significance of this variant remains unclear.

Labcorp Genetics (formerly Invitae), Labcorp
Classification: Uncertain significance for Primary ciliary dyskinesia 28. Last evaluated: 2020-04-24. Review status: criteria provided, single submitter. Criteria: Invitae Variant Classification Sherloc (09022015). Collection method: clinical testing. Allele origin: germline.
Comment: This sequence change replaces arginine with glycine at codon 401 of the SPAG1 protein (p.Arg401Gly). The arginine residue is weakly conserved and there is a moderate physicochemical difference between arginine and glycine. The frequency data for this variant in the population databases is considered unreliable, as metrics indicate insufficient coverage at this position in the ExAC database. This variant has not been reported in the literature in individuals with SPAG1-related conditions. Algorithms developed to predict the effect of missense changes on protein structure and function (SIFT, PolyPhen-2, Align-GVGD) all suggest that this variant is likely to be tolerated, but these predictions have not been confirmed by published functional studies and their clinical significance is uncertain. In summary, the available evidence is currently insufficient to determine the role of this variant in disease. Therefore, it has been classified as a Variant of Uncertain Significance.

NM_003114.5(SPAG1):c.1201A>G (p.Arg401Gly)

Genes: SPAG1 (sperm associated antigen 1; plus strand), LOC130000832 (ATAC-STARR-seq lymphoblastoid silent region 19412; plus strand). Cytogenetic location: 8q22.2.
Variant type: single nucleotide variant.
Coding change: c.1201A>G on transcript NM_003114.5 (MANE Select); coding-DNA position 1201, A replaced by G.
Protein change: p.Arg401Gly; replaces arginine 401 with glycine.
Molecular consequence: missense variant.
Genome position (GRCh38, 1-based): chr8:100,213,194, A>G. VCF-style: chr8-100213194-A-G. GRCh37 (hg19) VCF-style: chr8-101225422-A-G.
Other names: c.1201A>G, p.Arg401Gly (NM_001374321.1, NM_172218.3); c.1201A>G (NM_172218.2); short protein forms R401G.
Identifiers: ClinVar variation 1000051 (VCV001000051.9), dbSNP rs1448300734, ClinGen allele CA371808894.